The following is an entry in ClinVar:

ClinVar aggregate classification (germline): Uncertain significance (1 of 4 stars; one submission).

Conditions:
Inborn genetic diseases. Identifiers: MedGen C0950123, MeSH D030342.

Submission:

Ambry Genetics
Classification: Uncertain significance for Inborn genetic diseases. Last evaluated: 2026-08-27. Review status: criteria provided, single submitter. Criteria: Ambry Variant Classification Scheme 2023. Collection method: clinical testing. Allele origin: germline.
Comment: The c.1192G>A (p.E398K) alteration is located in exon 5 (coding exon 3) of the SPECC1L gene. This alteration results from a G to A substitution at nucleotide position 1192, causing the glutamic acid (E) at amino acid position 398 to be replaced by a lysine (K). This variant was not reported in population-based cohorts in the Genome Aggregation Database (gnomAD). This amino acid position is highly conserved in available vertebrate species. This missense variant is located in a region that has a low rate of benign missense variation (Lek, 2016; Firth, 2009). The in silico prediction for this alteration is inconclusive. Based on insufficient or conflicting evidence, the clinical significance of this alteration remains unclear.

NM_015330.6(SPECC1L):c.1192G>A (p.Glu398Lys)

Genes: SPECC1L (sperm antigen with calponin homology and coiled-coil domains 1 like; plus strand), SPECC1L-ADORA2A (SPECC1L-ADORA2A readthrough (NMD candidate); plus strand). Cytogenetic location: 22q11.23.
Variant type: single nucleotide variant.
Coding change: c.1192G>A on transcript NM_015330.6 (MANE Select); coding-DNA position 1192, G replaced by A.
Protein change: p.Glu398Lys; replaces glutamic acid 398 with lysine.
Molecular consequence: missense variant. On other transcripts: non-coding transcript variant (1).
Genome position (GRCh38, 1-based): chr22:24,322,172, G>A. VCF-style: chr22-24322172-G-A. GRCh37 (hg19) VCF-style: chr22-24718140-G-A.
Other names: c.1192G>A, p.Glu398Lys (NM_001145468.4, NM_001254732.3); short protein forms E398K.
Identifiers: ClinVar variation 5030085 (VCV005030085.1).